The following is an entry in ClinVar:

ClinVar aggregate classification (germline): Uncertain significance. Review status: criteria provided, multiple submitters, no conflicts (2 of 4 stars). 2 submissions from 2 submitters: Uncertain significance (2). Last evaluated 2025-06-12.

Conditions:
Hereditary cancer-predisposing syndrome. Also called: Neoplastic Syndromes, Hereditary; Tumor predisposition; Hereditary Cancer Syndrome; Hereditary neoplastic syndrome. Identifiers: Orphanet 140162, MedGen C0027672, MeSH D009386, MONDO:0015356.
Tumor predisposition syndrome 3 (TPDS3). Also called: Glioma susceptibility 9; LONG TELOMERE SYNDROME, POT1-RELATED; POT1 Tumor Predisposition; Melanoma, cutaneous malignant, susceptibility to, 10. Identifiers: Orphanet 618, MedGen C4014476, MONDO:0014368, OMIM 615848.

Submissions (2):

Ambry Genetics
Classification: Uncertain significance for Hereditary cancer-predisposing syndrome. Last evaluated: 2025-06-12. Review status: criteria provided, single submitter. Criteria: Ambry Variant Classification Scheme 2023. Collection method: clinical testing. Allele origin: germline.
Comment: The p.Q94H variant (also known as c.282G>C), located in coding exon 4 of the POT1 gene, results from a G to C substitution at nucleotide position 282. The glutamine at codon 94 is replaced by histidine, an amino acid with highly similar properties. This variant was reported in individual(s) with features consistent with POT1-related tumor predisposition syndrome (Ambry internal data). This amino acid position is highly conserved in available vertebrate species. In addition, the in silico prediction for this alteration is inconclusive. Based on the available evidence, the clinical significance of this variant remains unclear.

Labcorp Genetics (formerly Invitae), Labcorp
Classification: Uncertain significance for Tumor predisposition syndrome 3. Last evaluated: 2021-10-08. Review status: criteria provided, single submitter. Criteria: Invitae Variant Classification Sherloc (09022015). Collection method: clinical testing. Allele origin: germline.
Comment: In summary, the available evidence is currently insufficient to determine the role of this variant in disease. Therefore, it has been classified as a Variant of Uncertain Significance. Algorithms developed to predict the effect of missense changes on protein structure and function are either unavailable or do not agree on the potential impact of this missense change (SIFT: "Deleterious"; PolyPhen-2: "Probably Damaging"; Align-GVGD: "Class C0"). This variant has not been reported in the literature in individuals affected with POT1-related conditions. This variant is not present in population databases (ExAC no frequency). This sequence change replaces glutamine with histidine at codon 94 of the POT1 protein (p.Gln94His). The glutamine residue is highly conserved and there is a small physicochemical difference between glutamine and histidine.

NM_015450.3(POT1):c.282G>C (p.Gln94His)

Gene: POT1 (protection of telomeres 1; minus strand). Cytogenetic location: 7q31.33.
Variant type: single nucleotide variant.
Coding change: c.282G>C on transcript NM_015450.3 (MANE Select); coding-DNA position 282, G replaced by C.
Protein change: p.Gln94His; replaces glutamine 94 with histidine.
Molecular consequence: missense variant. On other transcripts: 5 prime UTR variant (1), non-coding transcript variant (3).
Genome position (GRCh38, 1-based): chr7:124,863,614, C>G on the plus strand (G>C on the coding strand, the complement: POT1 is on the minus strand). VCF-style: chr7-124863614-C-G. GRCh37 (hg19) VCF-style: chr7-124503668-C-G.
Other names: c.-112G>C (NM_001042594.2); short protein forms Q94H.
Identifiers: ClinVar variation 944125 (VCV000944125.10), dbSNP rs948259490, ClinGen allele CA369060425.